The following is an entry in ClinVar:

ClinVar aggregate classification (germline): Benign/Likely benign. Review status: criteria provided, multiple submitters, no conflicts (2 of 4 stars). 6 submissions from 6 submitters: Benign (4); Likely benign (2). Last evaluated 2026-01-26.

Conditions:
Melanoma, cutaneous malignant, susceptibility to, 5. Also called: Cutaneous malignant melanoma 5. Identifiers: Orphanet 618, MedGen C2751295, MONDO:0013133, OMIM 613099.

Allele frequency attached by ClinVar (database versions not stated): gnomAD exomes 0.00434; ExAC 0.00498; ESP Exome Variant Server 0.01631; gnomAD 0.01760 and 0.01887; 1000 Genomes Project 0.01957; TOPMed 0.01980; 1000 Genomes Project 30x 0.02061.

Submissions (6):

Labcorp Genetics (formerly Invitae), Labcorp
Classification: Benign for Melanoma, cutaneous malignant, susceptibility to, 5. Last evaluated: 2026-01-26. Review status: criteria provided, single submitter. Criteria: Invitae Variant Classification Sherloc (09022015). Collection method: clinical testing. Allele origin: germline.

ARUP Laboratories, Molecular Genetics and Genomics, ARUP Laboratories
Classification: Benign. Last evaluated: 2023-10-11. Review status: criteria provided, single submitter. Criteria: ARUP Molecular Germline Variant Investigation Process 2024. Collection method: clinical testing. Allele origin: germline.

GeneDx
Classification: Benign. Last evaluated: 2018-06-22. Review status: criteria provided, single submitter. Criteria: GeneDx Variant Classification Process June 2021. Collection method: clinical testing. Allele origin: germline. Affected: yes.

Illumina Laboratory Services, Illumina
Classification: Likely benign for Melanoma, cutaneous malignant, susceptibility to, 5. Last evaluated: 2017-04-28. Review status: criteria provided, single submitter. Criteria: ICSL Variant Classification Criteria 13 December 2019. Collection method: clinical testing. Allele origin: germline.
Comment: This variant was observed as part of a predisposition screen in an ostensibly healthy population. A literature search was performed for the gene, cDNA change, and amino acid change (where applicable). Publications were found based on this search. The evidence from the literature, in combination with allele frequency data from public databases where available, was sufficient to determine this variant is unlikely to cause disease. Therefore, this variant is classified as likely benign.

Breakthrough Genomics
Classification: Likely benign. Review status: criteria provided, single submitter. Criteria: ACMG Guidelines, 2015. Collection method: not provided. Allele origin: germline. Inheritance: Autosomal recessive inheritance. Affected: yes.

PreventionGenetics, part of Exact Sciences
Classification: Benign. Review status: criteria provided, single submitter. Criteria: ACMG Guidelines, 2015. Collection method: clinical testing. Allele origin: germline.

Literature cited by the submitters: PubMed 10733465 (cited by Illumina Laboratory Services, Illumina); PubMed 15221796 (cited by Illumina Laboratory Services, Illumina); PubMed 25631192 (cited by Illumina Laboratory Services, Illumina); PubMed 16988943 (cited by Illumina Laboratory Services, Illumina); PubMed 15957185 (cited by Illumina Laboratory Services, Illumina); PubMed 18839200 (cited by Illumina Laboratory Services, Illumina); PubMed 12851329 (cited by Illumina Laboratory Services, Illumina); PubMed 20457063 (cited by Illumina Laboratory Services, Illumina); PubMed 18402696 (cited by Illumina Laboratory Services, Illumina); PubMed 17434924 (cited by Illumina Laboratory Services, Illumina).

NM_002386.4(MC1R):c.900C>T (p.Phe300=)

Gene: MC1R (melanocortin 1 receptor; plus strand). Cytogenetic location: 16q24.3.
Variant type: single nucleotide variant.
Coding change: c.900C>T on transcript NM_002386.4 (MANE Select); coding-DNA position 900, C replaced by T.
Protein change: p.Phe300=; no amino-acid change (phenylalanine 300 retained).
Molecular consequence: synonymous variant.
Genome position (GRCh38, 1-based): chr16:89,920,158, C>T. VCF-style: chr16-89920158-C-T. GRCh37 (hg19) VCF-style: chr16-89986566-C-T.
Identifiers: ClinVar variation 258654 (VCV000258654.22), dbSNP rs3212367, ClinGen allele CA8255806.